The following is an entry in ClinVar:

NM_004643.4(PABPN1):c.18_26dup (p.Ala11_Gly12insAlaAlaAla)

Genes: BCL2L2-PABPN1 (BCL2L2-PABPN1 readthrough; plus strand), PABPN1 (poly(A) binding protein nuclear 1; plus strand). Cytogenetic location: 14q11.2.
Variant type: Duplication.
Coding change: c.18_26dup on transcript NM_004643.4 (MANE Select); coding-DNA positions 18 to 26, 9 bases duplicated (GGCGGCAGC; older notation c.18_26dupGGCGGCAGC).
Protein change: p.Ala11_Gly12insAlaAlaAla.
Molecular consequence: inframe insertion. On other transcripts: intron variant (8).
Genome position (GRCh38, 1-based): chr14:23,321,487-23,321,495, GGCGGCAGC duplicated; duplicating any 9 consecutive bases within chr14:23,321,485-23,321,495 gives the same sequence; the c. name uses the placement nearest the transcript's 3' end. VCF-style (leftmost placement, unchanged base first): chr14-23321484-G-GGCGGCGGCA. GRCh37 (hg19) VCF-style: chr14-23790693-G-GGCGGCGGCA.
Other names: c.18_26dup, p.Ala11_Gly12insAlaAlaAla (NM_001360551.3); c.529-694_529-686dup (NM_001387343.1, NM_001387342.1, NM_001387344.1 and 1 more transcripts); c.433-694_433-686dup (NM_001387345.1, NM_001387346.1, NM_001199864.3); c.550-694_550-686dup (NM_001387340.1).
Identifiers: ClinVar variation 987098 (VCV000987098.8), dbSNP rs1888252890, ClinGen allele CA1139663412.
Genomic context (GRCh38, chr14:23,321,484, plus strand): 5'-GCGCAGCTCTCCAATCGCCGGGCGGCGGGCCCCAGTCTGAGCGGCGATGGCGGCGGCGGC[G>GGCGGCGGCA]GCGGCGGCAGCAGCAGCGGGGGCTGCGGGCGGTCGGGGCTCCGGGCCGGGGCGGCGGCGC-3'

ClinVar aggregate classification (germline): Pathogenic/Likely pathogenic. Review status: criteria provided, multiple submitters, no conflicts (2 of 4 stars). 3 submissions from 3 submitters: Pathogenic (1); Likely pathogenic (2). Last evaluated 2025-01-27.

Conditions:
Oculopharyngeal muscular dystrophy 1 (OPMD1). Identifiers: MedGen CN376802, MONDO:0958176, OMIM 164300.

Submissions (3):

Revvity Omics, Revvity
Classification: Pathogenic for Oculopharyngeal muscular dystrophy 1. Last evaluated: 2025-01-27. Review status: criteria provided, single submitter. Criteria: ACMG Guidelines, 2015. Collection method: clinical testing. Allele origin: germline.

Dasa
Classification: Likely pathogenic. Last evaluated: 2025-01-08. Review status: criteria provided, single submitter. Criteria: DASA Assertion Criteria. Collection method: clinical testing. Allele origin: germline.
Comment: NM_004643.4(PABPN1):c.18_26dup (p.Ala9_Ala11dup) is an in-frame duplication predicted to duplicate amino acids from alanine at protein position 9 through alanine at protein position 11 without shifting the reading frame. This variant has been reported in individuals with PABPN1-related disorders. Also, this variant is absent from population databases. Based on the currently available evidence, this variant is classified as likely pathogenic.

Institute of Medical Genetics and Applied Genomics, University Hospital Tübingen
Classification: Likely pathogenic. Last evaluated: 2020-10-23. Review status: criteria provided, single submitter. Criteria: ACMG Guidelines, 2015. Collection method: clinical testing. Allele origin: germline. Inheritance: Unknown mechanism. Affected: yes.